The following is an entry in ClinVar:

NM_000535.7(PMS2):c.733C>A (p.Leu245Met)

Gene: PMS2 (PMS1 homolog 2, mismatch repair system component; minus strand). Cytogenetic location: 7p22.1.
Variant type: single nucleotide variant.
Coding change: c.733C>A on transcript NM_000535.7 (MANE Select); coding-DNA position 733, C replaced by A.
Protein change: p.Leu245Met; replaces leucine 245 with methionine.
Molecular consequence: missense variant. On other transcripts: 5 prime UTR variant (2), non-coding transcript variant (1).
Genome position (GRCh38, 1-based): chr7:5,997,396, G>T on the plus strand (C>A on the coding strand, the complement: PMS2 is on the minus strand). VCF-style: chr7-5997396-G-T. GRCh37 (hg19) VCF-style: chr7-6037027-G-T.
Other names: c.328C>A, p.Leu110Met (NM_001322003.2, NM_001322004.2, NM_001322005.2 and 2 more transcripts); c.733C>A, p.Leu245Met (NM_001322006.2, NM_001322014.2); c.415C>A, p.Leu139Met (NM_001322007.2, NM_001322008.2); c.-201C>A (NM_001322011.2, NM_001322012.2); c.160C>A, p.Leu54Met (NM_001322013.2); c.424C>A, p.Leu142Met (NM_001322015.2); short protein forms L245M, L139M, L110M, L142M, L54M.
Identifiers: ClinVar variation 41719 (VCV000041719.22), dbSNP rs201375580, ClinGen allele CA012672.

ClinVar aggregate classification (germline): Uncertain significance. Review status: criteria provided, multiple submitters, no conflicts (2 of 4 stars). 6 submissions from 6 submitters: Uncertain significance (5). 1 of the submissions does not count toward it. Last evaluated 2025-08-18.

Conditions:
Hereditary nonpolyposis colorectal neoplasms. Identifiers: MedGen C0009405, MeSH D003123.
Hereditary cancer-predisposing syndrome. Also called: Hereditary neoplastic syndrome; Neoplastic Syndromes, Hereditary; Hereditary Cancer Syndrome; Tumor predisposition. Identifiers: Orphanet 140162, MedGen C0027672, MeSH D009386, MONDO:0015356.

Allele frequency attached by ClinVar (database versions not stated): gnomAD exomes below 0.00001; TOPMed below 0.00001; gnomAD 0.00001.
gnomAD v4.1: 5 of 1,598,210 alleles (0.00031%); no homozygotes.

Submissions (6):

Labcorp Genetics (formerly Invitae), Labcorp
Classification: Uncertain significance for Hereditary nonpolyposis colorectal neoplasms. Last evaluated: 2025-08-18. Review status: criteria provided, single submitter. Criteria: Invitae Variant Classification Sherloc (09022015). Collection method: clinical testing. Allele origin: germline.
Comment: This sequence change replaces leucine, which is neutral and non-polar, with methionine, which is neutral and non-polar, at codon 245 of the PMS2 protein (p.Leu245Met). The frequency data for this variant in the population databases is considered unreliable, as metrics indicate poor data quality at this position in the gnomAD database. This variant has not been reported in the literature in individuals affected with PMS2-related conditions. ClinVar contains an entry for this variant (Variation ID: 41719). Invitae Evidence Modeling incorporating data from in vitro experimental studies (internal data) indicates that this missense variant is not expected to disrupt PMS2 function with a negative predictive value of 95%. In summary, the available evidence is currently insufficient to determine the role of this variant in disease. Therefore, it has been classified as a Variant of Uncertain Significance.

Quest Diagnostics Nichols Institute San Juan Capistrano
Classification: Uncertain significance. Last evaluated: 2024-04-10. Review status: criteria provided, single submitter. Criteria: Quest Diagnostics criteria. Collection method: clinical testing. Allele origin: unknown.
Comment: The PMS2 c.733C>A (p.Leu245Met) variant has been reported in the published literature only briefly as having uncertain significance (PMIDs: 27600092 (2016), 22703879 (2012)) and has not been reported in individuals affected with PMS2-related cancers. The frequency of this variant in the general population, 0.0000041 (1/246016 chromosomes (Genome Aggregation Database)), is uninformative in the assessment of its pathogenicity. Analysis of this variant using bioinformatics tools for the prediction of the effect of amino acid changes on protein structure and function yielded conflicting predictions that this variant is benign or damaging. Based on the available information, we are unable to determine the clinical significance of this variant.

Ambry Genetics
Classification: Uncertain significance for Hereditary cancer-predisposing syndrome. Last evaluated: 2024-03-28. Review status: criteria provided, single submitter. Criteria: Ambry Variant Classification Scheme 2023. Collection method: clinical testing. Allele origin: germline.
Comment: The p.L245M variant (also known as c.733C>A), located in coding exon 7 of the PMS2 gene, results from a C to A substitution at nucleotide position 733. The leucine at codon 245 is replaced by methionine, an amino acid with highly similar properties. This amino acid position is well conserved in available vertebrate species. In addition, the in silico prediction for this alteration is inconclusive. Since supporting evidence is limited at this time, the clinical significance of this alteration remains unclear.

Color Diagnostics, LLC DBA Color Health
Classification: Uncertain significance for Hereditary cancer-predisposing syndrome. Last evaluated: 2020-11-11. Review status: criteria provided, single submitter. Criteria: ACMG Guidelines, 2015. Collection method: clinical testing. Allele origin: germline.
Comment: This missense variant replaces leucine with methionine at codon 245 of the PMS2 protein. Computational prediction suggests that this variant may not impact protein structure and function (internally defined REVEL score threshold <= 0.5, PMID: 27666373). To our knowledge, functional studies have not been reported for this variant. This variant has not been reported in individuals affected with hereditary cancer in the literature. This variant has been identified in 1/246016 chromosomes in the general population by the Genome Aggregation Database (gnomAD). The available evidence is insufficient to determine the role of this variant in disease conclusively. Therefore, this variant is classified as a Variant of Uncertain Significance.

GeneDx
Classification: Uncertain significance. Last evaluated: 2016-03-02. Review status: criteria provided, single submitter. Criteria: GeneDx Variant Classification (06012015). Collection method: clinical testing. Allele origin: germline. Affected: yes.
Comment: This variant is denoted PMS2 c.733C>A at the cDNA level, p.Leu245Met (L245M) at the protein level, and results in the change of a Leucine to a Methionine (CTG>ATG). This variant was observed in 1/572 individuals with atherosclerosis, with no specific information about cancer history (Johnston 2012). PMS2 Leu245Met was not observed in approximately 6,500 individuals of European and African American ancestry in the NHLBI Exome Sequencing Project, indicating it is not a common benign variant in these populations. Since Leucine and Methionine share similar properties, this is considered a conservative amino acid substitution. PMS2 Leu245Met occurs at a position that is not conserved and is located within the ATPase domain (Fukui 2011). In silico analyses are inconsistent regarding the effect this variant may have on protein structure and function. Based on currently available information, it is unclear whether PMS2 Leu245Met is pathogenic or benign. We consider it to be a variant of uncertain significance.

Biesecker Lab/Clinical Genomics Section, National Institutes of Health
Classification: Uncertain significance. Last evaluated: 2012-07-13. Review status: no assertion criteria provided. Collection method: research. Allele origin: germline. Affected: no. Observed: 1 variant allele. Study: ClinSeq. Not counted in ClinVar's aggregate classification.
ClinVar note: Converted during submission from variant of unknown significance to Uncertain significance.

Literature cited by the submitters: PubMed 27600092 (cited by Quest Diagnostics Nichols Institute San Juan Capistrano).